The following is an entry in ClinVar:

NM_000038.6(APC):c.212G>A (p.Arg71His)

Gene: APC (APC regulator of Wnt signaling pathway; plus strand). Cytogenetic location: 5q22.2.
Variant type: single nucleotide variant.
Coding change: c.212G>A on transcript NM_000038.6 (MANE Select); coding-DNA position 212, G replaced by A.
Protein change: p.Arg71His; replaces arginine 71 with histidine.
Molecular consequence: missense variant. On other transcripts: 5 prime UTR variant (1).
Genome position (GRCh38, 1-based): chr5:112,766,402, G>A. VCF-style: chr5-112766402-G-A. GRCh37 (hg19) VCF-style: chr5-112102099-G-A.
Other names: c.242G>A (NM_001127511.2); c.212G>A, p.Arg71His (NM_001127510.3, NM_001354895.2, NM_001354896.2 and 2 more transcripts); c.242G>A, p.Arg81His (NM_001127511.3, NM_001354897.2, NM_001354902.2); c.137G>A, p.Arg46His (NM_001354898.2, NM_001354904.2); c.35G>A, p.Arg12His (NM_001354900.2, NM_001354901.2, NM_001354905.2); c.-824G>A (NM_001354906.2); short protein forms R71H, R81H, R12H, R46H.
Identifiers: ClinVar variation 411444 (VCV000411444.37), dbSNP rs750503329, ClinGen allele CA030877.
Genomic context (GRCh38, chr5:112,766,402, plus strand): 5'-TACAAGGAAGTATTGAAGATGAAGCTATGGCTTCTTCTGGACAGATTGATTTATTAGAGC[G>A]TCTTAAAGGTAGATTTTAAAAAGGTGTTTTAAAATAATTTTTTAAGCTCAAATTGTCATC-3'
Protein context (NP_000029.2, residues 61-81): ASSGQIDLLE[Arg71His]LKELNLDSSN

ClinVar aggregate classification (germline): Conflicting classifications of pathogenicity. Review status: criteria provided, conflicting classifications (1 of 4 stars). 10 submissions from 10 submitters: Uncertain significance (8); Likely benign (2). Last evaluated 2026-09-01.

Conditions:
Classic or attenuated familial adenomatous polyposis. Identifiers: MedGen CN372698, MONDO:0021057.
APC-related disorder. Also called: APC-related condition.
Familial adenomatous polyposis 1 (FAP1). Also called: FAMILIAL ADENOMATOUS POLYPOSIS 1, ATTENUATED; POLYPOSIS, ADENOMATOUS INTESTINAL. Identifiers: MedGen C2713442, MONDO:0021056, OMIM 175100. Disease mechanism: loss of function.
Gastric adenocarcinoma and proximal polyposis of the stomach (GAPPS). Also called: Gastric Adenocarcinoma and Proximal Polyposis of the Stomach (GAPPS); POLYPOSIS, GASTRIC; Polyposis, gastric, Dos Santos and de Magalhaes 1980. Identifiers: Orphanet 314022, MedGen C4749917, MONDO:0017790, OMIM 619182.
Colorectal cancer. Also called: Colorectal cancer, somatic; Malignant Colorectal Neoplasm. Identifiers: MedGen C0346629, MONDO:0005575, OMIM 114500.
Gastric cancer. Also called: Stomach cancer; Malignant tumor of stomach. Identifiers: MedGen C0024623, MeSH D013274, MONDO:0001056, OMIM 613659, HP:0012126.
Hepatocellular carcinoma (HCC). Also called: Primary carcinoma of liver; HEPATOMA; LIVER CELL CARCINOMA. Identifiers: Orphanet 88673, MedGen C2239176, MONDO:0007256, OMIM 114550, HP:0001402.
Desmoid disease, hereditary (DESMD). Also called: FIBROMATOSIS, FAMILIAL INFILTRATIVE. Identifiers: Orphanet 873, MedGen C1851124, OMIM 135290. Disease mechanism: loss of function.
Hereditary cancer-predisposing syndrome. Also called: Neoplastic Syndromes, Hereditary; Tumor predisposition; Hereditary Cancer Syndrome; Hereditary neoplastic syndrome. Identifiers: Orphanet 140162, MedGen C0027672, MeSH D009386, MONDO:0015356.

Allele frequency attached by ClinVar (database versions not stated): gnomAD exomes 0.00001; TOPMed 0.00001; ExAC 0.00003.
gnomAD v4.1: 16 of 1,607,242 alleles (0.001%); highest among the groups gnomAD compares: East Asian, 0.0089%; no homozygotes.

Submissions (10):

PreventionGenetics, part of Exact Sciences
Classification: Uncertain significance for APC-related condition. Last evaluated: 2026-09-01. Review status: criteria provided, single submitter. Criteria: ACMG Guidelines, 2015. Collection method: clinical testing. Allele origin: germline.
Comment: The APC c.212G>A variant is predicted to result in the amino acid substitution p.Arg71His. To our knowledge, this variant has not been reported in individuals affected with APC-related conditions. It is reported in 0.0040% of alleles in individuals of European (Finnish) descent in gnomAD and has conflicting interpretations in ClinVar ranging from likely benign to uncertain (Variation ID: 411444). At this time, the clinical significance of this variant is uncertain due to the absence of conclusive functional and genetic evidence.

Labcorp Genetics (formerly Invitae), Labcorp
Classification: Uncertain significance for Familial adenomatous polyposis 1. Last evaluated: 2025-12-09. Review status: criteria provided, single submitter. Criteria: Invitae Variant Classification Sherloc (09022015). Collection method: clinical testing. Allele origin: germline.
Comment: This sequence change replaces arginine, which is basic and polar, with histidine, which is basic and polar, at codon 71 of the APC protein (p.Arg71His). This variant is present in population databases (rs750503329, gnomAD 0.008%). This variant has not been reported in the literature in individuals affected with APC-related conditions. ClinVar contains an entry for this variant (Variation ID: 411444). Invitae Evidence Modeling of protein sequence and biophysical properties (such as structural, functional, and spatial information, amino acid conservation, physicochemical variation, residue mobility, and thermodynamic stability) indicates that this missense variant is not expected to disrupt APC protein function with a negative predictive value of 95%. In summary, the available evidence is currently insufficient to determine the role of this variant in disease. Therefore, it has been classified as a Variant of Uncertain Significance.

Color Diagnostics, LLC DBA Color Health
Classification: Likely benign for Hereditary cancer-predisposing syndrome. Last evaluated: 2025-04-14. Review status: criteria provided, single submitter. Criteria: ACMG Guidelines, 2015. Collection method: clinical testing. Allele origin: germline.

Center for Genomic Medicine, Rigshospitalet, Copenhagen University Hospital
Classification: Uncertain significance. Last evaluated: 2025-03-04. Review status: criteria provided, single submitter. Criteria: ACMG Guidelines, 2015. Collection method: clinical testing. Allele origin: germline.

All of Us Research Program, National Institutes of Health
Classification: Uncertain significance for Classic or attenuated familial adenomatous polyposis. Last evaluated: 2023-11-30. Review status: criteria provided, single submitter. Criteria: ACMG Guidelines, 2015. Collection method: clinical testing. Allele origin: germline. Inheritance: Autosomal dominant inheritance. Observed: 9 variant alleles, 9 heterozygotes.
Comment: This missense variant replaces arginine with histidine at codon 71 of the APC protein. Computational prediction suggests that this variant may not impact protein structure and function (internally defined REVEL score threshold <= 0.5, PMID: 27666373). To our knowledge, functional studies have not been reported for this variant. This variant has not been reported in individuals affected with APC-related disorders in the literature. This variant has been identified in 4/282140 chromosomes in the general population by the Genome Aggregation Database (gnomAD). The available evidence is insufficient to determine the role of this variant in disease conclusively. Therefore, this variant is classified as a Variant of Uncertain Significance.

This study involves interpretation of variants in research participants for the purpose of population health screening. Participant phenotype was not available at the time of variant classification. Additional details can be found in publication PMID: 35346344, PMCID: PMC8962531

Blueprint Genetics
Classification: Uncertain significance. Last evaluated: 2023-02-20. Review status: criteria provided, single submitter. Criteria: ACMG Guidelines, 2015. Collection method: clinical testing. Allele origin: germline.

Fulgent Genetics
Classification: Uncertain significance for Colorectal cancer; Hepatocellular carcinoma; Desmoid disease, hereditary; Familial adenomatous polyposis 1; Gastric cancer; Gastric adenocarcinoma and proximal polyposis of the stomach. Last evaluated: 2022-04-07. Review status: criteria provided, single submitter. Criteria: ACMG Guidelines, 2015. Collection method: clinical testing. Allele origin: unknown.

GeneDx
Classification: Uncertain significance. Last evaluated: 2022-04-01. Review status: criteria provided, single submitter. Criteria: GeneDx Variant Classification Process June 2021. Collection method: clinical testing. Allele origin: germline. Affected: yes.
Comment: Not observed at significant frequency in large population cohorts (gnomAD); In silico analysis supports that this missense variant does not alter protein structure/function; Has not been previously published as pathogenic or benign to our knowledge

Ambry Genetics
Classification: Likely benign for Hereditary cancer-predisposing syndrome. Last evaluated: 2022-01-11. Review status: criteria provided, single submitter. Criteria: Ambry Variant Classification Scheme 2023. Collection method: clinical testing. Allele origin: germline.

Women's Health and Genetics/Laboratory Corporation of America, LabCorp
Classification: Uncertain significance. Last evaluated: 2019-10-28. Review status: criteria provided, single submitter. Criteria: LabCorp Variant Classification Summary - May 2015. Collection method: clinical testing. Allele origin: germline.
Comment: Variant summary: APC c.212G>A (p.Arg71His) results in a non-conservative amino acid change in the encoded protein sequence. Five of five in-silico tools predict a damaging effect of the variant on protein function. The variant allele was found at a frequency of 8e-06 in 250788 control chromosomes (gnomAD). The available data on variant occurrences in the general population are insufficient to allow any conclusion about variant significance. c.212G>A has been reported in the literature in an individual affected with hepatocellular cancer (Tanabe_2016). This report however, does not provide an unequivocal conclusion about association of the variant with Familial Adenomatous Polyposis. To our knowledge, no experimental evidence demonstrating an impact on protein function has been reported. Four ClinVar submissions (evaluation after 2014) cite the variant as uncertain significance. Based on the evidence outlined above, the variant was classified as uncertain significance.

Literature cited by the submitters: PubMed 27852271 (cited by Women's Health and Genetics/Laboratory Corporation of America, LabCorp).